The following is an entry in ClinVar:

ClinVar aggregate classification (germline): Uncertain significance. Review status: criteria provided, multiple submitters, no conflicts (2 of 4 stars). 6 submissions from 5 submitters: Uncertain significance (6). Last evaluated 2025-02-20.

Conditions:
Familial cutaneous telangiectasia and oropharyngeal predisposition cancer syndrome. Identifiers: Orphanet 313846, MedGen C3281203, MONDO:0013806, OMIM 614564.
Seckel syndrome 1 (SCKL1). Also called: MICROCEPHALIC PRIMORDIAL DWARFISM I. Identifiers: Orphanet 808, MedGen C4551474, MONDO:0008869, OMIM 210600.

Allele frequency attached by ClinVar (database versions not stated): TOPMed 0.00002.
gnomAD v4.1: 43 of 1,613,692 alleles (0.0027%); highest among the groups gnomAD compares: Non-Finnish European, 0.00059%; no homozygotes.

Submissions (6):

Labcorp Genetics (formerly Invitae), Labcorp
Classification: Uncertain significance. Last evaluated: 2025-02-20. Review status: criteria provided, single submitter. Criteria: Invitae Variant Classification Sherloc (09022015). Collection method: clinical testing. Allele origin: germline.
Comment: This sequence change replaces histidine, which is basic and polar, with proline, which is neutral and non-polar, at codon 1166 of the ATR protein (p.His1166Pro). This variant is present in population databases (rs201438783, gnomAD 0.1%). This variant has not been reported in the literature in individuals affected with ATR-related conditions. ClinVar contains an entry for this variant (Variation ID: 343610). An algorithm developed to predict the effect of missense changes on protein structure and function (PolyPhen-2) suggests that this variant is likely to be disruptive. In summary, the available evidence is currently insufficient to determine the role of this variant in disease. Therefore, it has been classified as a Variant of Uncertain Significance.

Genome-Nilou Lab
Classification: Uncertain significance for Seckel syndrome 1. Last evaluated: 2023-02-08. Review status: criteria provided, single submitter. Criteria: ACMG Guidelines, 2015. Collection method: clinical testing. Allele origin: germline.

Genome-Nilou Lab
Classification: Uncertain significance for Familial cutaneous telangiectasia and oropharyngeal predisposition cancer syndrome. Last evaluated: 2023-02-08. Review status: criteria provided, single submitter. Criteria: ACMG Guidelines, 2015. Collection method: clinical testing. Allele origin: germline.

Genetic Services Laboratory, University of Chicago
Classification: Uncertain significance. Last evaluated: 2021-08-25. Review status: criteria provided, single submitter. Criteria: ACMG Guidelines, 2015. Collection method: clinical testing. Allele origin: germline. Affected: no.
Comment: DNA sequence analysis of the ATR gene demonstrated a sequence change, c.3497A>C, in exon 18 that results in an amino acid change, p.His1166Pro. This sequence change does not appear to have been previously described in patients with ATR-related disorders and has been described in the gnomAD database with a population frequency of 0.11% in the Ashkenazi Jewish subpopulation (dbSNP rs201438783). The p.His1166Pro change affects a highly conserved amino acid residue located in a domain of the ATR protein that is known to be functional. In-silico pathogenicity prediction tools (SIFT, PolyPhen2, Align GVGD, REVEL) provide contradictory results for the p.His1166Pro substitution. Due to these contrasting evidences and the lack of functional studies, the clinical significance of the p.His1166Pro change remains unknown at this time.

Department of Pathology and Laboratory Medicine, Sinai Health System
Classification: Uncertain significance for Seckel syndrome 1; Familial cutaneous telangiectasia and oropharyngeal predisposition cancer syndrome. Last evaluated: 2021-03-26. Review status: criteria provided, single submitter. Criteria: ACMG Guidelines, 2015. Collection method: research. Allele origin: germline.

Illumina Laboratory Services, Illumina
Classification: Uncertain significance for Seckel syndrome 1. Last evaluated: 2018-01-13. Review status: criteria provided, single submitter. Criteria: ICSL Variant Classification Criteria 13 December 2019. Collection method: clinical testing. Allele origin: germline.

NM_001184.4(ATR):c.3497A>C (p.His1166Pro)

Gene: ATR (ATR checkpoint kinase; minus strand). Cytogenetic location: 3q23.
Variant type: single nucleotide variant.
Coding change: c.3497A>C on transcript NM_001184.4 (MANE Select); coding-DNA position 3497, A replaced by C.
Protein change: p.His1166Pro; replaces histidine 1166 with proline.
Molecular consequence: missense variant.
Genome position (GRCh38, 1-based): chr3:142,540,988, T>G on the plus strand (A>C on the coding strand, the complement: ATR is on the minus strand). VCF-style: chr3-142540988-T-G. GRCh37 (hg19) VCF-style: chr3-142259830-T-G.
Other names: c.3305A>C, p.His1102Pro (NM_001354579.2); short protein forms H1166P, H1102P.
Identifiers: ClinVar variation 343610 (VCV000343610.17), dbSNP rs201438783, ClinGen allele CA2650088.